The following is an entry in ClinVar:

NM_181741.4(ORC4):c.927dup (p.Ser310Ter)

Gene: ORC4 (origin recognition complex subunit 4; minus strand). Cytogenetic location: 2q23.1.
Variant type: Duplication.
Coding change: c.927dup on transcript NM_181741.4 (MANE Select); coding-DNA position 927, one base duplicated (T; older notation c.927dupT).
Protein change: p.Ser310Ter; replaces serine 310 with a stop codon.
Molecular consequence: nonsense. On other transcripts: frameshift variant (1).
Genome position (GRCh38, 1-based): chr2:147,939,171, A duplicated on the plus strand (T on the coding strand, the reverse complement: ORC4 is on the minus strand). VCF-style (leftmost placement, unchanged base first): chr2-147939170-T-TA. GRCh37 (hg19) VCF-style: chr2-148696739-T-TA.
Other names: c.927dup, p.Ser310Ter (NM_001190879.3, NM_001374270.1, NM_002552.5); c.675dup, p.Ser226Ter (NM_001190881.3, NM_001374272.1); c.705dup, p.Ser236Ter (NM_001190882.3); c.927dup, p.Ser310Terfs (NM_181742.5); short protein forms S226*, S236*, S310*.
Identifiers: ClinVar variation 4717758 (VCV004717758.1).

ClinVar aggregate classification (germline): Pathogenic (1 of 4 stars; one submission).

Submission:

Labcorp Genetics (formerly Invitae), Labcorp
Classification: Pathogenic. Last evaluated: 2025-04-22. Review status: criteria provided, single submitter. Criteria: Invitae Variant Classification Sherloc (09022015). Collection method: clinical testing. Allele origin: germline.
Comment: This sequence change creates a premature translational stop signal (p.Ser310*) in the ORC4 gene. It is expected to result in an absent or disrupted protein product. Loss-of-function variants in ORC4 are known to be pathogenic (PMID: 21358631, 21358632, 22333897). This variant is not present in population databases (gnomAD no frequency). This variant has not been reported in the literature in individuals affected with ORC4-related conditions. For these reasons, this variant has been classified as Pathogenic.

Literature cited by the submitters: PubMed 21358631; PubMed 21358632; PubMed 22333897.